The following is an entry in ClinVar:

NM_001184900.3(CARD8):c.352G>C (p.Val118Leu)

Gene: CARD8 (caspase recruitment domain family member 8; minus strand). Cytogenetic location: 19q13.33.
Variant type: single nucleotide variant.
Coding change: c.352G>C on transcript NM_001184900.3 (MANE Select); coding-DNA position 352, G replaced by C.
Protein change: p.Val118Leu; replaces valine 118 with leucine.
Molecular consequence: missense variant. On other transcripts: intron variant (6).
Genome position (GRCh38, 1-based): chr19:48,232,492, C>G on the plus strand (G>C on the coding strand, the complement: CARD8 is on the minus strand). VCF-style: chr19-48232492-C-G. GRCh37 (hg19) VCF-style: chr19-48735749-C-G.
Other names: c.202G>C, p.Val68Leu (NM_001184901.1, NM_001351783.2, NM_001351788.2 and 2 more transcripts); c.352G>C, p.Val118Leu (NM_001184902.2, NM_001184903.1, NM_001351782.2); c.16G>C, p.Val6Leu (NM_001351786.2); c.77-682G>C (NM_001351787.2, NM_001351791.2, NM_001351792.2 and 2 more transcripts); c.149-682G>C (NM_001351790.2); c.352G>C (NM_001184900.1); short protein forms V118L, V6L, V68L.
Identifiers: ClinVar variation 1391055 (VCV001391055.10), dbSNP rs536212135, ClinGen allele CA9548059.

ClinVar aggregate classification (germline): Uncertain significance. Review status: criteria provided, multiple submitters, no conflicts (2 of 4 stars). 3 submissions from 3 submitters: Uncertain significance (3). Last evaluated 2026-01-25.

Conditions:
CARD8-related disorder. Also called: CARD8-related condition.

Allele frequency attached by ClinVar (database versions not stated): gnomAD exomes 0.00006 and 0.00017; TOPMed 0.00010; gnomAD 0.00011 and 0.00014.
gnomAD v4.1: 246 of 1,535,722 alleles (0.016%); highest among the groups gnomAD compares: Non-Finnish European, 0.021%; no homozygotes.

Submissions (3):

Labcorp Genetics (formerly Invitae), Labcorp
Classification: Uncertain significance. Last evaluated: 2026-01-25. Review status: criteria provided, single submitter. Criteria: Invitae Variant Classification Sherloc (09022015). Collection method: clinical testing. Allele origin: germline.
Comment: This sequence change replaces valine, which is neutral and non-polar, with leucine, which is neutral and non-polar, at codon 68 of the CARD8 protein (p.Val68Leu). This variant is present in population databases (rs536212135, gnomAD 0.02%). This variant has not been reported in the literature in individuals affected with CARD8-related conditions. ClinVar contains an entry for this variant (Variation ID: 1391055). An algorithm developed to predict the effect of missense changes on protein structure and function (PolyPhen-2) suggests that this variant is likely to be tolerated. In summary, the available evidence is currently insufficient to determine the role of this variant in disease. Therefore, it has been classified as a Variant of Uncertain Significance.

Ambry Genetics
Classification: Uncertain significance. Last evaluated: 2025-01-17. Review status: criteria provided, single submitter. Criteria: Ambry Variant Classification Scheme 2023. Collection method: clinical testing. Allele origin: germline.

PreventionGenetics, part of Exact Sciences
Classification: Uncertain significance for CARD8-related condition. Last evaluated: 2023-07-12. Review status: criteria provided, single submitter. Criteria: ACMG Guidelines, 2015. Collection method: clinical testing. Allele origin: germline.
Comment: The CARD8 c.352G>C variant is predicted to result in the amino acid substitution p.Val118Leu. To our knowledge, this variant has not been reported in the literature. This variant is reported in 0.020% of alleles in individuals of European (Non-Finnish) descent in gnomAD. At this time, the clinical significance of this variant is uncertain due to the absence of conclusive functional and genetic evidence.